The following is an entry in ClinVar:

NM_000760.4(CSF3R):c.998-1G>A

Gene: CSF3R (colony stimulating factor 3 receptor; minus strand). Cytogenetic location: 1p34.3.
Variant type: single nucleotide variant.
Coding change: c.998-1G>A on transcript NM_000760.4 (MANE Select); the canonical splice acceptor site of the intron before coding-DNA position 998, G replaced by A.
Molecular consequence: splice acceptor variant.
Genome position (GRCh38, 1-based): chr1:36,472,140, C>T on the plus strand (G>A on the coding strand, the complement: CSF3R is on the minus strand). VCF-style: chr1-36472140-C-T. GRCh37 (hg19) VCF-style: chr1-36937741-C-T.
Other names: c.998-1G>A (NM_156039.3, NM_172313.3).
Identifiers: ClinVar variation 1509271 (VCV001509271.8), dbSNP rs1248511242, ClinGen allele CA339422220.

ClinVar aggregate classification (germline): Likely pathogenic (1 of 4 stars; one submission).

Conditions:
Autosomal recessive severe congenital neutropenia due to CSF3R deficiency. Also called: Neutropenia, severe congenital, 7, autosomal recessive. Identifiers: Orphanet 420702, MedGen C4310764, MONDO:0014865, OMIM 617014.

Allele frequency attached by ClinVar (database versions not stated): gnomAD exomes below 0.00001 and 0.00001.
gnomAD v4.1: 9 of 1,613,894 alleles (0.00056%); highest among the groups gnomAD compares: Non-Finnish European, 0.00076%; no homozygotes.

Submission:

Labcorp Genetics (formerly Invitae), Labcorp
Classification: Likely pathogenic for Autosomal recessive severe congenital neutropenia due to CSF3R deficiency. Last evaluated: 2022-01-14. Review status: criteria provided, single submitter. Criteria: Invitae Variant Classification Sherloc (09022015). Collection method: clinical testing. Allele origin: germline.
Comment: This sequence change affects an acceptor splice site in intron 8 of the CSF3R gene. It is expected to disrupt RNA splicing. Variants that disrupt the donor or acceptor splice site typically lead to a loss of protein function (PMID: 16199547), and loss-of-function variants in CSF3R are known to be pathogenic (PMID: 24753537, 26324699). The frequency data for this variant in the population databases is considered unreliable, as metrics indicate poor data quality at this position in the gnomAD database. This variant has not been reported in the literature in individuals affected with CSF3R-related conditions. Algorithms developed to predict the effect of sequence changes on RNA splicing suggest that this variant may disrupt the consensus splice site. In summary, the currently available evidence indicates that the variant is pathogenic, but additional data are needed to prove that conclusively. Therefore, this variant has been classified as Likely Pathogenic.

Literature cited by the submitters: PubMed 16199547; PubMed 24753537; PubMed 26324699.